The following is an entry in ClinVar:

ClinVar aggregate classification (germline): Uncertain significance. Review status: criteria provided, multiple submitters, no conflicts (2 of 4 stars). 6 submissions from 6 submitters: Uncertain significance (6). Last evaluated 2025-12-29.

Conditions:
Hereditary cancer-predisposing syndrome. Also called: Tumor predisposition; Hereditary neoplastic syndrome; Neoplastic Syndromes, Hereditary; Hereditary Cancer Syndrome. Identifiers: Orphanet 140162, MedGen C0027672, MeSH D009386, MONDO:0015356.
Cardiovascular phenotype. Identifiers: MedGen CN230736.
LZTR1-related schwannomatosis. Also called: Schwannomatosis 2; Schwannomatosis-2, susceptibility to. Identifiers: Orphanet 93921, MedGen C3810283, MONDO:0014299, OMIM 615670.

Allele frequency attached by ClinVar (database versions not stated): gnomAD 0.00001 and 0.00002; TOPMed 0.00001; gnomAD exomes 0.00003 and 0.00005; ExAC 0.00005.

Submissions (6):

Labcorp Genetics (formerly Invitae), Labcorp
Classification: Uncertain significance. Last evaluated: 2025-12-29. Review status: criteria provided, single submitter. Criteria: Invitae Variant Classification Sherloc (09022015). Collection method: clinical testing. Allele origin: germline.
Comment: This sequence change replaces valine, which is neutral and non-polar, with alanine, which is neutral and non-polar, at codon 770 of the LZTR1 protein (p.Val770Ala). This variant is present in population databases (rs752880731, gnomAD 0.03%). This variant has not been reported in the literature in individuals affected with LZTR1-related conditions. ClinVar contains an entry for this variant (Variation ID: 809335). Invitae Evidence Modeling of protein sequence and biophysical properties (such as structural, functional, and spatial information, amino acid conservation, physicochemical variation, residue mobility, and thermodynamic stability) indicates that this missense variant is not expected to disrupt LZTR1 protein function with a negative predictive value of 80%. In summary, the available evidence is currently insufficient to determine the role of this variant in disease. Therefore, it has been classified as a Variant of Uncertain Significance.

Women's Health and Genetics/Laboratory Corporation of America, LabCorp
Classification: Uncertain significance. Last evaluated: 2025-03-25. Review status: criteria provided, single submitter. Criteria: LabCorp Variant Classification Summary - May 2015. Collection method: clinical testing. Allele origin: germline.
Comment: Variant summary: LZTR1 c.2309T>C (p.Val770Ala) results in a non-conservative amino acid change in the encoded protein sequence. Three of four in-silico tools predict a damaging effect of the variant on protein function. The variant allele was found at a frequency of 4.8e-05 in 251116 control chromosomes. This frequency is not significantly higher than estimated for a pathogenic variant in LZTR1 causing Noonan Syndrome 2 (4.8e-05 vs 0.0032), allowing no conclusion about variant significance. To our knowledge, no occurrence of c.2309T>C in individuals affected with Noonan Syndrome 2 and no experimental evidence demonstrating its impact on protein function have been reported. ClinVar contains an entry for this variant (Variation ID: 809335). Based on the evidence outlined above, the variant was classified as uncertain significance.

Ambry Genetics
Classification: Uncertain significance for Cardiovascular phenotype; Hereditary cancer-predisposing syndrome. Last evaluated: 2025-01-21. Review status: criteria provided, single submitter. Criteria: Ambry Variant Classification Scheme 2023. Collection method: clinical testing. Allele origin: germline.
Comment: The p.V770A variant (also known as c.2309T>C), located in coding exon 19 of the LZTR1 gene, results from a T to C substitution at nucleotide position 2309. The valine at codon 770 is replaced by alanine, an amino acid with similar properties. This amino acid position is highly conserved in available vertebrate species. In addition, the in silico prediction for this alteration is inconclusive. Based on the available evidence, the clinical significance of this variant remains unclear.

Blueprint Genetics
Classification: Uncertain significance. Last evaluated: 2024-11-05. Review status: criteria provided, single submitter. Criteria: ACMG Guidelines, 2015. Collection method: clinical testing. Allele origin: germline.

CeGaT Center for Human Genetics Tuebingen
Classification: Uncertain significance. Last evaluated: 2024-07-01. Review status: criteria provided, single submitter. Criteria: CeGaT Center For Human Genetics Tuebingen Variant Classification Criteria Version 2. Collection method: clinical testing. Allele origin: germline. Affected: yes. Observed: 1 variant allele.
Comment: LZTR1: PM2

Baylor Genetics
Classification: Uncertain significance for LZTR1-related schwannomatosis. Last evaluated: 2023-05-18. Review status: criteria provided, single submitter. Criteria: ACMG Guidelines, 2015. Collection method: clinical testing. Allele origin: unknown.

NM_006767.4(LZTR1):c.2309T>C (p.Val770Ala)

Gene: LZTR1 (leucine zipper like post translational regulator 1; plus strand). Cytogenetic location: 22q11.21.
Variant type: single nucleotide variant.
Coding change: c.2309T>C on transcript NM_006767.4 (MANE Select); coding-DNA position 2309, T replaced by C.
Protein change: p.Val770Ala; replaces valine 770 with alanine.
Molecular consequence: missense variant.
Genome position (GRCh38, 1-based): chr22:20,996,785, T>C. VCF-style: chr22-20996785-T-C. GRCh37 (hg19) VCF-style: chr22-21351074-T-C.
Other names: short protein forms V770A.
Identifiers: ClinVar variation 809335 (VCV000809335.41), dbSNP rs752880731, ClinGen allele CA10119337.